The following is an entry in ClinVar:

NM_000143.4(FH):c.1117_1119del (p.Asn373del)

Gene: FH (fumarate hydratase; minus strand). Cytogenetic location: 1q43.
Variant type: Deletion.
Coding change: c.1117_1119del on transcript NM_000143.4 (MANE Select); coding-DNA positions 1117 to 1119, 3 bases deleted (AAC; older notation c.1117_1119delAAC).
Protein change: p.Asn373del; deletes asparagine 373.
Molecular consequence: inframe deletion.
Genome position (GRCh38, 1-based): chr1:241,502,560-241,502,562, GTT deleted on the plus strand (AAC on the coding strand, the reverse complement: FH is on the minus strand). VCF-style (leftmost placement, unchanged base first): chr1-241502559-GGTT-G. GRCh37 (hg19) VCF-style: chr1-241665859-GGTT-G.
Other names: c.1117_1119delAAC (NM_000143.3); short protein forms N373del.
Identifiers: ClinVar variation 460336 (VCV000460336.13), dbSNP rs1553340884, ClinGen allele CA658656999.
Genomic context (GRCh38, chr1:241,502,559, plus strand): 5'-CAGCAACATGGTTCCCCATGACTTGGGCTGCAACCATGGTCATTGCTTCACACTGAGTAG[GGTT>G]CACCTTGCCTTCAAGAAAACCACCAATGACAGAGTAAAGACTAAATTTATGCAAATAATC-3'

ClinVar aggregate classification (germline): Pathogenic/Likely pathogenic. Review status: criteria provided, multiple submitters, no conflicts (2 of 4 stars). 2 submissions from 2 submitters: Pathogenic (1); Likely pathogenic (1). Last evaluated 2025-07-22.

Conditions:
Hereditary cancer-predisposing syndrome. Also called: Neoplastic Syndromes, Hereditary; Tumor predisposition; Hereditary Cancer Syndrome; Hereditary neoplastic syndrome. Identifiers: Orphanet 140162, MedGen C0027672, MeSH D009386, MONDO:0015356.

Submissions (2):

Ambry Genetics
Classification: Likely pathogenic for Hereditary cancer-predisposing syndrome. Last evaluated: 2025-07-22. Review status: criteria provided, single submitter. Criteria: Ambry Variant Classification Scheme 2023. Collection method: clinical testing. Allele origin: germline.
Comment: The c.1117_1119delAAC variant (also known as p.N373del) is located in coding exon 8 of the FH gene. This variant results from an in-frame AAC deletion at nucleotide positions 1117 to 1119. This results in the in-frame deletion of an asparagine at codon 373. This alteration has been observed in at least one individual with a personal and/or family history that is consistent with HLRCC-related disease (Ambry internal data). This amino acid position is highly conserved in available vertebrate species and the impacted region is critical for protein function (Ambry internal data). Based on internal structural analysis, N373del is deleterious and disrupts the active site of the protein (Ajalla Aleixo MA et al. FEBS J, 2019 May;286:1925-1940; Hicks KG et al. Science, 2023 Mar;379:996-1003). In addition, this alteration is predicted to be deleterious by in silico analysis (Choi Y et al. PLoS ONE. 2012; 7(10):e46688). This variant is considered to be rare based on population cohorts in the Genome Aggregation Database (gnomAD). As such, this alteration is classified as likely pathogenic.

Labcorp Genetics (formerly Invitae), Labcorp
Classification: Pathogenic. Last evaluated: 2024-05-20. Review status: criteria provided, single submitter. Criteria: Invitae Variant Classification Sherloc (09022015). Collection method: clinical testing. Allele origin: germline.
Comment: This variant, c.1117_1119del, results in the deletion of 1 amino acid(s) of the FH protein (p.Asn373del), but otherwise preserves the integrity of the reading frame. This variant is not present in population databases (gnomAD no frequency). This variant has not been reported in the literature in individuals affected with FH-related conditions. ClinVar contains an entry for this variant (Variation ID: 460336). Experimental studies and prediction algorithms are not available or were not evaluated, and the functional significance of this variant is currently unknown. This variant disrupts a region of the FH protein in which other variant(s) (p.Asn373Lys) have been determined to be pathogenic (PMID: 33442023; Invitae). This suggests that this is a clinically significant region of the protein, and that variants that disrupt it are likely to be disease-causing. For these reasons, this variant has been classified as Pathogenic.

Literature cited by the submitters: PubMed 30761759 (cited by Ambry Genetics); PubMed 36893255 (cited by Ambry Genetics); PubMed 33442023 (cited by Labcorp Genetics (formerly Invitae), Labcorp).